The following is an entry in ClinVar:

ClinVar aggregate classification (germline): Uncertain significance. Review status: criteria provided, multiple submitters, no conflicts (2 of 4 stars). 2 submissions from 2 submitters: Uncertain significance (2). Last evaluated 2025-05-16.

Conditions:
SERPING1-related disorder. Also called: SERPING1-related condition.

Allele frequency attached by ClinVar (database versions not stated): gnomAD exomes below 0.00001.

Submissions (2):

PreventionGenetics, part of Exact Sciences
Classification: Uncertain significance for SERPING1-related condition. Last evaluated: 2025-05-16. Review status: criteria provided, single submitter. Criteria: ACMG Guidelines, 2015. Collection method: clinical testing. Allele origin: germline.
Comment: The SERPING1 c.1051C>T variant is predicted to result in the amino acid substitution p.His351Tyr. To our knowledge, this variant has not been reported in the literature or in a large population database (gnomAD), indicating this variant is rare. At this time, the clinical significance of this variant is uncertain due to the absence of conclusive functional and genetic evidence.

Labcorp Genetics (formerly Invitae), Labcorp
Classification: Uncertain significance. Last evaluated: 2023-05-16. Review status: criteria provided, single submitter. Criteria: Invitae Variant Classification Sherloc (09022015). Collection method: clinical testing. Allele origin: germline.
Comment: In summary, the available evidence is currently insufficient to determine the role of this variant in disease. Therefore, it has been classified as a Variant of Uncertain Significance. Advanced modeling of protein sequence and biophysical properties (such as structural, functional, and spatial information, amino acid conservation, physicochemical variation, residue mobility, and thermodynamic stability) has been performed at Invitae for this missense variant, however the output from this modeling did not meet the statistical confidence thresholds required to predict the impact of this variant on SERPING1 protein function. This variant has not been reported in the literature in individuals affected with SERPING1-related conditions. This variant is not present in population databases (gnomAD no frequency). This sequence change replaces histidine, which is basic and polar, with tyrosine, which is neutral and polar, at codon 351 of the SERPING1 protein (p.His351Tyr).

NM_000062.3(SERPING1):c.1051C>T (p.His351Tyr)

Gene: SERPING1 (serpin family G member 1; plus strand). Cytogenetic location: 11q12.1.
Variant type: single nucleotide variant.
Coding change: c.1051C>T on transcript NM_000062.3 (MANE Select); coding-DNA position 1051, C replaced by T.
Protein change: p.His351Tyr; replaces histidine 351 with tyrosine.
Molecular consequence: missense variant.
Genome position (GRCh38, 1-based): chr11:57,611,738, C>T. VCF-style: chr11-57611738-C-T. GRCh37 (hg19) VCF-style: chr11-57379211-C-T.
Other names: c.1051C>T, p.His351Tyr (NM_001032295.2); short protein forms H351Y.
Identifiers: ClinVar variation 2964620 (VCV002964620.4), dbSNP rs1945478101, ClinGen allele CA380702390.
Genomic context (GRCh38, chr11:57,611,738, plus strand): 5'-CGGTAGGAAGACTGTTAAGATGCATCTCTTATTTTCTAGGTGGGGCAGCTGCAGCTCTCC[C>T]ACAATCTGAGTTTGGTGATCCTGGTACCCCAGAACCTGAAACATCGTCTTGAAGACATGG-3'
Protein context (NP_000053.2, residues 341-361): KAKVGQLQLS[His351Tyr]NLSLVILVPQ